The following is an entry in ClinVar:

NM_139276.3(STAT3):c.250C>T (p.Arg84Ter)

Gene: STAT3 (signal transducer and activator of transcription 3; minus strand). Cytogenetic location: 17q21.2.
Variant type: single nucleotide variant.
Coding change: c.250C>T on transcript NM_139276.3 (MANE Select); coding-DNA position 250, C replaced by T.
Protein change: p.Arg84Ter; replaces arginine 84 with a stop codon.
Molecular consequence: nonsense.
Genome position (GRCh38, 1-based): chr17:42,346,592, G>A on the plus strand (C>T on the coding strand, the complement: STAT3 is on the minus strand). VCF-style: chr17-42346592-G-A. GRCh37 (hg19) VCF-style: chr17-40498610-G-A.
Other names: c.250C>T, p.Arg84Ter (NM_001369512.1, NM_001369513.1, NM_001369514.1 and 7 more transcripts); short protein forms R84*.
Identifiers: ClinVar variation 943972 (VCV000943972.8), dbSNP rs2082709836, ClinGen allele CA399596838.

ClinVar aggregate classification (germline): Uncertain significance (1 of 4 stars; one submission).

Conditions:
Hyper-IgE recurrent infection syndrome 1, autosomal dominant. Also called: STAT3 Hyper IgE Syndrome; JOB SYNDROME; Hyper-IgE recurrent infection syndrome 1; HYPER-IgE SYNDROME 1, AUTOSOMAL DOMINANT, WITH RECURRENT INFECTIONS; Job's Syndrome. Identifiers: Orphanet 2314, MedGen C2936739, MONDO:0007818, OMIM 147060.
STAT3 gain of function. Identifiers: MedGen C4288261.

Submission:

Labcorp Genetics (formerly Invitae), Labcorp
Classification: Uncertain significance for STAT3 gain of function; Hyper-IgE recurrent infection syndrome 1, autosomal dominant. Last evaluated: 2019-05-08. Review status: criteria provided, single submitter. Criteria: Invitae Variant Classification Sherloc (09022015). Collection method: clinical testing. Allele origin: germline.
Comment: This sequence change creates a premature translational stop signal (p.Arg84*) in the STAT3 gene. It is expected to result in an absent or disrupted protein product. This variant is not present in population databases (ExAC no frequency). This variant has not been reported in the literature in individuals with STAT3-related conditions. The current clinical and genetic evidence is not sufficient to establish whether loss-of-function variants in STAT3 cause disease. In summary, the available evidence is currently insufficient to determine the role of this variant in disease. Therefore, it has been classified as a Variant of Uncertain Significance.